The following is an entry in ClinVar:

ClinVar aggregate classification (germline): Uncertain significance (1 of 4 stars; one submission).

Conditions:
Leber congenital amaurosis 13 (LCA13). Identifiers: MedGen C2675186, MONDO:0012990, OMIM 612712.

Submission:

Labcorp Genetics (formerly Invitae), Labcorp
Classification: Uncertain significance for Leber congenital amaurosis 13. Last evaluated: 2022-07-14. Review status: criteria provided, single submitter. Criteria: Invitae Variant Classification Sherloc (09022015). Collection method: clinical testing. Allele origin: germline.
Comment: A copy number gain of the genomic region encompassing the full coding sequence of the RDH12 gene has been identified. The boundaries of this event are unknown as they extend beyond the assayed region for this gene and therefore may encompass additional genes. As the precise location of this event is unknown, it may be in tandem or it may be located elsewhere in the genome. This variant has not been reported in the literature in individuals affected with RDH12-related conditions. In summary, the available evidence is currently insufficient to determine the role of this variant in disease. Therefore, it has been classified as a Variant of Uncertain Significance.

NC_000014.8:g.(?_68189350)_(68200575_?)dup

Gene: RDH12 (retinol dehydrogenase 12; plus strand). Cytogenetic location: 14q24.1.
Variant type: Duplication.
Identifiers: ClinVar variation 2427388 (VCV002427388.3).